The following is an entry in ClinVar:

ClinVar aggregate classification (germline): Conflicting classifications of pathogenicity. Review status: criteria provided, conflicting classifications (1 of 4 stars). 2 submissions from 2 submitters: Uncertain significance (1); Likely benign (1). Last evaluated 2025-10-27.

Conditions:
Hereditary cancer-predisposing syndrome. Also called: Neoplastic Syndromes, Hereditary; Hereditary Cancer Syndrome; Hereditary neoplastic syndrome; Tumor predisposition. Identifiers: Orphanet 140162, MedGen C0027672, MeSH D009386, MONDO:0015356.
Retinoblastoma (RB1). Also called: RETINOBLASTOMA, SOMATIC. Identifiers: Orphanet 790, MedGen C0035335, MeSH D012175, MONDO:0008380, OMIM 180200, HP:0009919. Disease mechanism: loss of function. Inheritance: Both sporadic and heritable forms are tested..

Allele frequency attached by ClinVar (database versions not stated): gnomAD exomes below 0.00001.
gnomAD v4.1: 1 of 1,611,288 alleles (0.000062%); highest among the groups gnomAD compares: Middle Eastern, 0.016%; no homozygotes.

Submissions (2):

Ambry Genetics
Classification: Likely benign for Hereditary cancer-predisposing syndrome. Last evaluated: 2025-10-27. Review status: criteria provided, single submitter. Criteria: Ambry Variant Classification Scheme 2023. Collection method: clinical testing. Allele origin: germline.

Labcorp Genetics (formerly Invitae), Labcorp
Classification: Uncertain significance for Retinoblastoma. Last evaluated: 2025-04-01. Review status: criteria provided, single submitter. Criteria: Invitae Variant Classification Sherloc (09022015). Collection method: clinical testing. Allele origin: germline.
Comment: This sequence change replaces serine, which is neutral and polar, with threonine, which is neutral and polar, at codon 811 of the RB1 protein (p.Ser811Thr). This variant is present in population databases (no rsID available, gnomAD 0.0009%). This variant has not been reported in the literature in individuals affected with RB1-related conditions. ClinVar contains an entry for this variant (Variation ID: 2759998). Invitae Evidence Modeling of protein sequence and biophysical properties (such as structural, functional, and spatial information, amino acid conservation, physicochemical variation, residue mobility, and thermodynamic stability) indicates that this missense variant is not expected to disrupt RB1 protein function with a negative predictive value of 80%. In summary, the available evidence is currently insufficient to determine the role of this variant in disease. Therefore, it has been classified as a Variant of Uncertain Significance.

NM_000321.3(RB1):c.2432G>C (p.Ser811Thr)

Gene: RB1 (RB transcriptional corepressor 1; plus strand). Cytogenetic location: 13q14.2.
Variant type: single nucleotide variant.
Coding change: c.2432G>C on transcript NM_000321.3 (MANE Select); coding-DNA position 2432, G replaced by C.
Protein change: p.Ser811Thr; replaces serine 811 with threonine.
Molecular consequence: missense variant.
Genome position (GRCh38, 1-based): chr13:48,465,311, G>C. VCF-style: chr13-48465311-G-C. GRCh37 (hg19) VCF-style: chr13-49039447-G-C.
Other names: c.2432G>C, p.Ser811Thr (NM_001407165.1); short protein forms S811T.
Identifiers: ClinVar variation 2759998 (VCV002759998.4), dbSNP rs1220980701, ClinGen allele CA388167969.